The following is an entry in ClinVar:

NM_001166108.2(PALLD):c.2581G>C (p.Asp861His)

Genes: CBR4 (carbonyl reductase 4; minus strand), PALLD (palladin, cytoskeletal associated protein; plus strand). Cytogenetic location: 4q32.3.
Variant type: single nucleotide variant.
Coding change: c.2581G>C on transcript NM_001166108.2 (MANE Select); coding-DNA position 2581, G replaced by C.
Protein change: p.Asp861His; replaces aspartic acid 861 with histidine.
Molecular consequence: missense variant.
Genome position (GRCh38, 1-based): chr4:168,903,865, G>C. VCF-style: chr4-168903865-G-C. GRCh37 (hg19) VCF-style: chr4-169825016-G-C.
Other names: p.D844H:GAT>CAT; c.1384G>C, p.Asp462His (NM_001166109.2); c.1069G>C, p.Asp357His (NM_001166110.2); c.409G>C, p.Asp137His (NM_001367567.1, NM_001367569.1); c.460G>C, p.Asp154His (NM_001367568.1, NM_001367570.1); c.2530G>C, p.Asp844His (NM_016081.4); c.1069G>C (NM_001166110.1); short protein forms D844H, D861H, D137H, D357H, D462H, D154H.
Identifiers: ClinVar variation 128105 (VCV000128105.5), dbSNP rs587780199, ClinGen allele CA288361.
Genomic context (GRCh38, chr4:168,903,865, plus strand): 5'-TACACCATTCAAAGAGATCTCGATGGGACCTGCTCCCTCCATACCACAGCCTCCACCCTA[G>C]ATGATGATGGGAATTATACAATTATGGCTGCAAACCCTCAGGTAAAGAAGGGTATAGGTC-3'
Protein context (NP_001159580.1, residues 851-871): CSLHTTASTL[Asp861His]DDGNYTIMAA

ClinVar aggregate classification (germline): Uncertain significance. Review status: criteria provided, multiple submitters, no conflicts (2 of 4 stars). 3 submissions from 3 submitters: Uncertain significance (3). Last evaluated 2025-09-16.

Conditions:
Pancreatic adenocarcinoma. Identifiers: MedGen C0281361, MONDO:0006047, HP:0006725.

Allele frequency attached by ClinVar (database versions not stated): TOPMed below 0.00001; gnomAD 0.00001.
gnomAD v4.1: 1 of 1,613,820 alleles (0.000062%); highest among the groups gnomAD compares: African/African-American, 0.0013%; no homozygotes.

Submissions (3):

Labcorp Genetics (formerly Invitae), Labcorp
Classification: Uncertain significance for Pancreatic adenocarcinoma. Last evaluated: 2025-09-16. Review status: criteria provided, single submitter. Criteria: Invitae Variant Classification Sherloc (09022015). Collection method: clinical testing. Allele origin: germline.
Comment: This sequence change replaces aspartic acid, which is acidic and polar, with histidine, which is basic and polar, at codon 357 of the PALLD protein (p.Asp357His). This variant is not present in population databases (gnomAD no frequency). This variant has not been reported in the literature in individuals affected with PALLD-related conditions. ClinVar contains an entry for this variant (Variation ID: 128105). An algorithm developed to predict the effect of missense changes on protein structure and function (PolyPhen-2) suggests that this variant is likely to be disruptive. In summary, the available evidence is currently insufficient to determine the role of this variant in disease. Therefore, it has been classified as a Variant of Uncertain Significance.

Ambry Genetics
Classification: Uncertain significance. Last evaluated: 2025-04-08. Review status: criteria provided, single submitter. Criteria: Ambry Variant Classification Scheme 2023. Collection method: clinical testing. Allele origin: germline.

GeneDx
Classification: Uncertain significance. Last evaluated: 2014-02-13. Review status: criteria provided, single submitter. Criteria: GeneDx Variant Classification (06012015). Collection method: clinical testing. Allele origin: germline. Affected: yes.
Comment: This variant is denoted PALLD c.2530G>C at the cDNA level, p.Asp844His (D844H) at the protein level, and results in the change of an Aspartic Acid to a Histidine (GAT>CAT). This variant has not, to our knowledge, been published in the literature as pathogenic or benign. PALLD Asp844His was not observed in approximately 6,500 individuals of European and African American ancestry in the NHLBI Exome Sequencing Project, indicating it is not a common benign variant in these populations. This variant is a non-conservative substitution in which a negative polar amino acid is replaced with a positive polar one, altering a position that is well conserved throughout evolution and is located in the ACTIN binding domain (UniProt). Multiple in silico algorithms predict that this variant may be damaging to protein structure and function. On a molecular level, the impact of this missense variant on protein structure and function is not known and thus we consider this to be a variant of uncertain significance. Furthermore, PALLD has been only recently described in association with pancreatic cancer and the risks are not well understood.